The following is an entry in ClinVar:

ClinVar aggregate classification (germline): Likely benign (0 of 4 stars; one submission).

Conditions:
GALNT12-related disorder. Also called: GALNT12-related condition.

Submission:

PreventionGenetics, part of Exact Sciences
Classification: Likely benign for GALNT12-related condition. Last evaluated: 2022-01-10. Review status: no assertion criteria provided. Collection method: clinical testing. Allele origin: germline.
Comment: This variant is classified as likely benign based on ACMG/AMP sequence variant interpretation guidelines (Richards et al. 2015 PMID: 25741868, with internal and published modifications).

NM_024642.5(GALNT12):c.-9G>A

Gene: GALNT12 (polypeptide N-acetylgalactosaminyltransferase 12; plus strand). Cytogenetic location: 9q22.33.
Variant type: single nucleotide variant.
Coding change: c.-9G>A on transcript NM_024642.5 (MANE Select); 9 bases upstream of the start codon, G replaced by A.
Molecular consequence: 5 prime UTR variant.
Genome position (GRCh38, 1-based): chr9:98,807,690, G>A. VCF-style: chr9-98807690-G-A. GRCh37 (hg19) VCF-style: chr9-101569972-G-A.
Identifiers: ClinVar variation 3029558 (VCV003029558.2), dbSNP rs2490454410, ClinGen allele CA2690948379.